The following is an entry in ClinVar:

ClinVar aggregate classification (germline): Uncertain significance (1 of 4 stars; one submission).

Conditions:
Spastic paraplegia. Identifiers: MedGen C0037772, HP:0001258.

gnomAD v4.1: 3 of 1,610,146 alleles (0.00019%); highest among the groups gnomAD compares: South Asian, 0.0033%; no homozygotes.

Submission:

Labcorp Genetics (formerly Invitae), Labcorp
Classification: Uncertain significance for Spastic paraplegia. Last evaluated: 2021-08-26. Review status: criteria provided, single submitter. Criteria: Invitae Variant Classification Sherloc (09022015). Collection method: clinical testing. Allele origin: germline.
Comment: Algorithms developed to predict the effect of missense changes on protein structure and function (SIFT, PolyPhen-2, Align-GVGD) all suggest that this variant is likely to be tolerated, but these predictions have not been confirmed by published functional studies and their clinical significance is uncertain. This variant has not been reported in the literature in individuals with KIF5A-related conditions. This variant is present in population databases (rs765493045, ExAC 0.006%). This sequence change replaces threonine with arginine at codon 767 of the KIF5A protein (p.Thr767Arg). The threonine residue is highly conserved and there is a moderate physicochemical difference between threonine and arginine. In summary, the available evidence is currently insufficient to determine the role of this variant in disease. Therefore, it has been classified as a Variant of Uncertain Significance.

NM_004984.4(KIF5A):c.2300C>G (p.Thr767Arg)

Gene: KIF5A (kinesin family member 5A; plus strand). Cytogenetic location: 12q13.3.
Variant type: single nucleotide variant.
Coding change: c.2300C>G on transcript NM_004984.4 (MANE Select); coding-DNA position 2300, C replaced by G.
Protein change: p.Thr767Arg; replaces threonine 767 with arginine.
Molecular consequence: missense variant.
Genome position (GRCh38, 1-based): chr12:57,576,862, C>G. VCF-style: chr12-57576862-C-G. GRCh37 (hg19) VCF-style: chr12-57970645-C-G.
Other names: c.2033C>G, p.Thr678Arg (NM_001354705.2); short protein forms T678R, T767R.
Identifiers: ClinVar variation 940500 (VCV000940500.8), dbSNP rs765493045, ClinGen allele CA6653068.